The following is an entry in ClinVar:

NM_002878.4(RAD51D):c.263+1621G>A

Genes: RAD51D (RAD51 paralog D; minus strand), RAD51L3-RFFL (RAD51L3-RFFL readthrough; minus strand). Cytogenetic location: 17q12.
Variant type: single nucleotide variant.
Coding change: c.263+1621G>A on transcript NM_002878.4 (MANE Select); 1621 bases into the intron after coding-DNA position 263, G replaced by A.
Molecular consequence: intron variant. On other transcripts: missense variant (1).
Genome position (GRCh38, 1-based): chr17:35,116,880, C>T on the plus strand (G>A on the coding strand, the complement: RAD51D is on the minus strand). VCF-style: chr17-35116880-C-T. GRCh37 (hg19) VCF-style: chr17-33443899-C-T.
Other names: c.302G>A, p.Gly101Asp (NM_001142571.2); c.144+2231G>A (NM_133629.3); short protein forms G101D.
Identifiers: ClinVar variation 5027815 (VCV005027815.1).
Genomic context (GRCh38, chr17:35,116,880, plus strand): 5'-GCTCATTGGTGGTTGTGACGAATAAATGAAATAATGTACCGTGAAGTGCTGACCGCAGTG[C>T]CTCGTTCATCGAAAGCATTCAGCGAAAGTCCATCTGTTCCTCCATGCCCAAGTCCTGCCT-3'

ClinVar aggregate classification (germline): Uncertain significance (1 of 4 stars; one submission).

Conditions:
Hereditary cancer-predisposing syndrome. Also called: Neoplastic Syndromes, Hereditary; Tumor predisposition; Hereditary neoplastic syndrome; Hereditary Cancer Syndrome. Identifiers: Orphanet 140162, MedGen C0027672, MeSH D009386, MONDO:0015356.

Submission:

Ambry Genetics
Classification: Uncertain significance for Hereditary cancer-predisposing syndrome. Last evaluated: 2026-07-01. Review status: criteria provided, single submitter. Criteria: Ambry Variant Classification Scheme 2023. Collection method: clinical testing. Allele origin: germline.
Comment: The p.G101D variant (also known as c.302G>A), located in coding exon 3 of the RAD51D gene, results from a G to A substitution at nucleotide position 302. The glycine at codon 101 is replaced by aspartic acid, an amino acid with similar properties. This amino acid position is conserved. In addition, this alteration is predicted to be tolerated by in silico analysis. Based on the available evidence, the clinical significance of this variant remains unclear.